The following is an entry in ClinVar:

ClinVar aggregate classification (germline): Likely benign. Review status: criteria provided, multiple submitters, no conflicts (2 of 4 stars). 3 submissions from 3 submitters: Likely benign (3). Last evaluated 2022-10-01.

Allele frequency attached by ClinVar (database versions not stated): 1000 Genomes Project 30x 0.00234; 1000 Genomes Project 0.00240; ExAC 0.00293; gnomAD exomes 0.00293 and 0.00397; gnomAD 0.00316 and 0.00320; TOPMed 0.00318; ESP Exome Variant Server 0.00323.
gnomAD v4.1: 6,266 of 1,613,390 alleles (0.39%); highest among the groups gnomAD compares: Non-Finnish European, 0.46%; 17 homozygotes.

Submissions (3):

CeGaT Center for Human Genetics Tuebingen
Classification: Likely benign. Last evaluated: 2022-10-01. Review status: criteria provided, single submitter. Criteria: CeGaT Center For Human Genetics Tuebingen Variant Classification Criteria Version 2. Collection method: clinical testing. Allele origin: germline. Affected: yes. Observed: 1 variant allele.
Comment: EP400: BS1

Labcorp Genetics (formerly Invitae), Labcorp
Classification: Likely benign. Last evaluated: 2019-12-31. Review status: criteria provided, single submitter. Criteria: Invitae Variant Classification Sherloc (09022015). Collection method: clinical testing. Allele origin: germline.

Breakthrough Genomics
Classification: Likely benign. Review status: criteria provided, single submitter. Criteria: ACMG Guidelines, 2015. Collection method: not provided. Allele origin: germline. Inheritance: Unknown mechanism. Affected: yes.

NM_015409.5(EP400):c.3469G>A (p.Val1157Ile)

Gene: EP400 (E1A binding protein p400; plus strand). Cytogenetic location: 12q24.33.
Variant type: single nucleotide variant.
Coding change: c.3469G>A on transcript NM_015409.5 (MANE Select); coding-DNA position 3469, G replaced by A.
Protein change: p.Val1157Ile; replaces valine 1157 with isoleucine.
Molecular consequence: missense variant.
Genome position (GRCh38, 1-based): chr12:132,013,036, G>A. VCF-style: chr12-132013036-G-A. GRCh37 (hg19) VCF-style: chr12-132497581-G-A.
Other names: short protein forms V1157I.
Identifiers: ClinVar variation 710753 (VCV000710753.29), dbSNP rs117348148, ClinGen allele CA6885413.